The following is an entry in ClinVar:

ClinVar aggregate classification (germline): Uncertain significance (1 of 4 stars; one submission).

Submission:

GeneDx
Classification: Uncertain significance. Last evaluated: 2022-09-01. Review status: criteria provided, single submitter. Criteria: GeneDx Variant Classification Process June 2021. Collection method: clinical testing. Allele origin: germline. Affected: yes.
Comment: Not observed at significant frequency in large population cohorts (gnomAD); In silico analysis supports that this missense variant does not alter protein structure/function; Has not been previously published as pathogenic or benign to our knowledge

NM_001353921.2(ARHGEF9):c.295T>A (p.Cys99Ser)

Gene: ARHGEF9 (Cdc42 guanine nucleotide exchange factor 9; minus strand). Cytogenetic location: Xq11.1.
Variant type: single nucleotide variant.
Coding change: c.295T>A on transcript NM_001353921.2 (MANE Select); coding-DNA position 295, T replaced by A.
Protein change: p.Cys99Ser; replaces cysteine 99 with serine.
Molecular consequence: missense variant. On other transcripts: 5 prime UTR variant (3).
Genome position (GRCh38, 1-based): chrX:63,706,365, A>T on the plus strand (T>A on the coding strand, the complement: ARHGEF9 is on the minus strand). VCF-style: chrX-63706365-A-T. GRCh37 (hg19) VCF-style: chrX-62926245-A-T.
Other names: c.274T>A, p.Cys92Ser (NM_015185.3, NM_001353928.2, NM_001369030.1 and 2 more transcripts); c.115T>A, p.Cys39Ser (NM_001173479.2); c.-33T>A (NM_001173480.2, NM_001369042.1); c.211T>A, p.Cys71Ser (NM_001330495.2, NM_001353927.2, NM_001369033.1 and 8 more transcripts); c.295T>A, p.Cys99Ser (NM_001353922.2); c.313T>A, p.Cys105Ser (NM_001353923.1); c.94T>A, p.Cys32Ser (NM_001353924.2, NM_001353926.2, NM_001369039.1 and 1 more transcripts); c.-409T>A (NM_001369045.1); short protein forms C105S, C32S, C39S, C71S, C92S, C99S.
Identifiers: ClinVar variation 2442538 (VCV002442538.1), dbSNP rs2519903904, ClinGen allele CA413402112.